The following is an entry in ClinVar:

NM_001083962.2(TCF4):c.660C>T (p.Gly220=)

Gene: TCF4 (transcription factor 4; minus strand). Cytogenetic location: 18q21.2.
Variant type: single nucleotide variant.
Coding change: c.660C>T on transcript NM_001083962.2 (MANE Select); coding-DNA position 660, C replaced by T.
Protein change: p.Gly220=; no amino-acid change (glycine 220 retained).
Molecular consequence: synonymous variant.
Genome position (GRCh38, 1-based): chr18:55,275,748, G>A on the plus strand (C>T on the coding strand, the complement: TCF4 is on the minus strand). VCF-style: chr18-55275748-G-A. GRCh37 (hg19) VCF-style: chr18-52942979-G-A.
Other names: p.Gly220=; c.966C>T, p.Gly322= (NM_001243226.3); c.588C>T, p.Gly196= (NM_001243227.2, NM_001348219.2, NM_001306207.1 and 9 more transcripts); c.678C>T, p.Gly226= (NM_001243228.2); c.654C>T, p.Gly218= (NM_001243230.2); c.534C>T, p.Gly178= (NM_001243231.2, NM_001348211.2); c.447C>T, p.Gly149= (NM_001243232.1, NM_001306208.1); c.585C>T, p.Gly195= (NM_001348220.1, NM_001369576.1, NM_001369578.1 and 3 more transcripts); and 5 more.
Identifiers: ClinVar variation 700451 (VCV000700451.15), dbSNP rs149861305, ClinGen allele CA8970420.

ClinVar aggregate classification (germline): Likely benign. Review status: criteria provided, multiple submitters, no conflicts (2 of 4 stars). 4 submissions from 4 submitters: Likely benign (3). 1 of the submissions does not count toward it. Last evaluated 2026-01-11.

Conditions:
Pitt-Hopkins syndrome (PTHS). Also called: ENCEPHALOPATHY, SEVERE EPILEPTIC, WITH AUTONOMIC DYSFUNCTION; MENTAL RETARDATION, SYNDROMAL, WITH INTERMITTENT HYPERVENTILATION. Identifiers: Orphanet 2896, MedGen C1970431, MONDO:0012589, OMIM 610954.
TCF4-related disorder. Also called: TCF4-related condition.
Inborn genetic diseases. Identifiers: MedGen C0950123, MeSH D030342.

Allele frequency attached by ClinVar (database versions not stated): gnomAD 0.00004 and 0.00003; ESP Exome Variant Server 0.00015; ExAC 0.00001; gnomAD exomes 0.00002 and 0.00003; TOPMed 0.00002.
gnomAD v4.1: 52 of 1,613,656 alleles (0.0032%); highest among the groups gnomAD compares: Non-Finnish European, 0.0041%; no homozygotes.

Submissions (4):

Labcorp Genetics (formerly Invitae), Labcorp
Classification: Likely benign for Pitt-Hopkins syndrome. Last evaluated: 2026-01-11. Review status: criteria provided, single submitter. Criteria: Invitae Variant Classification Sherloc (09022015). Collection method: clinical testing. Allele origin: germline.

Mayo Clinic Laboratories, Mayo Clinic
Classification: Likely benign. Last evaluated: 2025-09-26. Review status: criteria provided, single submitter. Criteria: ACMG Guidelines, 2015. Collection method: clinical testing. Allele origin: germline. Observed: 1 variant allele.
Comment: BS2, BP4, BP7

Ambry Genetics
Classification: Likely benign for Inborn genetic diseases. Last evaluated: 2018-04-19. Review status: criteria provided, single submitter. Criteria: Ambry Variant Classification Scheme 2023. Collection method: clinical testing. Allele origin: germline.

PreventionGenetics, part of Exact Sciences
Classification: Likely benign for TCF4-related condition. Last evaluated: 2022-11-07. Review status: no assertion criteria provided. Collection method: clinical testing. Allele origin: germline. Not counted in ClinVar's aggregate classification.
Comment: This variant is classified as likely benign based on ACMG/AMP sequence variant interpretation guidelines (Richards et al. 2015 PMID: 25741868, with internal and published modifications).